The following is an entry in ClinVar:

NM_001003699.4(RREB1):c.3422C>G (p.Pro1141Arg)

Gene: RREB1 (ras responsive element binding protein 1; plus strand). Cytogenetic location: 6p24.3.
Variant type: single nucleotide variant.
Coding change: c.3422C>G on transcript NM_001003699.4 (MANE Select); coding-DNA position 3422, C replaced by G.
Protein change: p.Pro1141Arg; replaces proline 1141 with arginine.
Molecular consequence: missense variant.
Genome position (GRCh38, 1-based): chr6:7,231,521, C>G. VCF-style: chr6-7231521-C-G. GRCh37 (hg19) VCF-style: chr6-7231754-C-G.
Other names: c.3422C>G, p.Pro1141Arg (NM_001003698.4, NM_001003700.2, NM_001168344.2); short protein forms P1141R.
Identifiers: ClinVar variation 715572 (VCV000715572.31), dbSNP rs201520366, ClinGen allele CA3626172.

ClinVar aggregate classification (germline): Benign/Likely benign. Review status: criteria provided, multiple submitters, no conflicts (2 of 4 stars). 5 submissions from 5 submitters: Benign (1); Likely benign (3). 1 of the submissions does not count toward it. Last evaluated 2026-05-12.

Conditions:
RREB1-related disorder. Also called: RREB1-related condition.

Allele frequency attached by ClinVar (database versions not stated): 1000 Genomes Project 30x 0.00094; 1000 Genomes Project 0.00100; TOPMed 0.00196; gnomAD exomes 0.00218 and 0.00284; gnomAD 0.00219 and 0.00226; ExAC 0.00226; ESP Exome Variant Server 0.00265.
gnomAD v4.1: 4,421 of 1,609,010 alleles (0.27%); highest among the groups gnomAD compares: Non-Finnish European, 0.34%; 10 homozygotes.

Submissions (5):

Women's Health and Genetics/Laboratory Corporation of America, LabCorp
Classification: Likely benign. Last evaluated: 2026-05-12. Review status: criteria provided, single submitter. Criteria: LabCorp Variant Classification Summary - May 2015. Collection method: clinical testing. Allele origin: germline.

CeGaT Center for Human Genetics Tuebingen
Classification: Benign. Last evaluated: 2025-02-01. Review status: criteria provided, single submitter. Criteria: CeGaT Center For Human Genetics Tuebingen Variant Classification Criteria Version 2. Collection method: clinical testing. Allele origin: germline. Affected: yes. Observed: 4 variant alleles.
Comment: RREB1: BP4, BS1, BS2

Labcorp Genetics (formerly Invitae), Labcorp
Classification: Likely benign. Last evaluated: 2019-12-31. Review status: criteria provided, single submitter. Criteria: Invitae Variant Classification Sherloc (09022015). Collection method: clinical testing. Allele origin: germline.

Breakthrough Genomics
Classification: Likely benign. Review status: criteria provided, single submitter. Criteria: ACMG Guidelines, 2015. Collection method: not provided. Allele origin: germline. Inheritance: Unknown mechanism. Affected: yes.

PreventionGenetics, part of Exact Sciences
Classification: Likely benign for RREB1-related condition. Last evaluated: 2022-02-10. Review status: no assertion criteria provided. Collection method: clinical testing. Allele origin: germline. Not counted in ClinVar's aggregate classification.
Comment: This variant is classified as likely benign based on ACMG/AMP sequence variant interpretation guidelines (Richards et al. 2015 PMID: 25741868, with internal and published modifications).